The following is an entry in ClinVar:

ClinVar aggregate classification (germline): Likely pathogenic. Review status: criteria provided, multiple submitters, no conflicts (2 of 4 stars). 3 submissions from 3 submitters: Likely pathogenic (2). 1 of the submissions does not count toward it. Last evaluated 2026-04-24.

Conditions:
Hermansky-Pudlak syndrome (HPS). Also called: ALBINISM WITH HEMORRHAGIC DIATHESIS AND PIGMENTED RETICULOENDOTHELIAL CELLS. Identifiers: Orphanet 79430, MedGen C0079504, MONDO:0019312.
Hermansky-Pudlak syndrome 1 (HPS1). Also called: DELTA STORAGE POOL DISEASE. Identifiers: Orphanet 231500, Orphanet 79430, MedGen C2931875, MONDO:0008748, OMIM 203300.

Submissions (3):

Myriad Genetics, Inc.
Classification: Likely pathogenic for Hermansky-Pudlak syndrome 1. Last evaluated: 2026-04-24. Review status: criteria provided, single submitter. Criteria: Myriad Autosomal Dominant, Autosomal Recessive and X-Linked Classification Criteria (2023). Collection method: clinical testing. Allele origin: unknown.
Comment: NM_000195.3(HPS1):c.1996G>T(E666*) is a nonsense variant classified as likely pathogenic in the context of Hermansky-Pudlak syndrome, HPS1-related. E666* has been observed in cases with relevant disease (PMID: 9497254, 31064749). Relevant functional assessments of this variant are not available in the literature. E666* has not been observed in referenced population frequency databases. In summary, NM_000195.3(HPS1):c.1996G>T(E666*) is a nonsense variant in a gene where loss of function is a known mechanism of disease, is predicted to disrupt protein function, and has been observed more frequently in cases with the relevant disease than in healthy populations. Please note: this variant was assessed in the context of healthy population screening.

NIHR Bioresource Rare Diseases, University of Cambridge
Classification: Likely pathogenic for Hermansky-Pudlak syndrome. Last evaluated: 2019-02-01. Review status: criteria provided, single submitter. Criteria: ACMG Guidelines, 2015. Collection method: research. Allele origin: unknown. Affected: yes. Observed: 1 compound heterozygote. Study: ThromboGenomics.

OMIM
Classification: Pathogenic for HERMANSKY-PUDLAK SYNDROME 1. Last evaluated: 1998-03-01. Review status: no assertion criteria provided. Collection method: literature only. Allele origin: germline. Not counted in ClinVar's aggregate classification.

Literature cited by the submitters: PubMed 31064749 (cited by Myriad Genetics, Inc. and NIHR Bioresource Rare Diseases, University of Cambridge); PubMed 9497254 (cited by Myriad Genetics, Inc. and OMIM).

NM_000195.5(HPS1):c.1996G>T (p.Glu666Ter)

Gene: HPS1 (HPS1 biogenesis of lysosomal organelles complex 3 subunit 1; minus strand). Cytogenetic location: 10q24.2.
Variant type: single nucleotide variant.
Coding change: c.1996G>T on transcript NM_000195.5 (MANE Select); coding-DNA position 1996, G replaced by T.
Protein change: p.Glu666Ter; replaces glutamic acid 666 with a stop codon.
Molecular consequence: nonsense.
Genome position (GRCh38, 1-based): chr10:98,417,671, C>A on the plus strand (G>T on the coding strand, the complement: HPS1 is on the minus strand). VCF-style: chr10-98417671-C-A. GRCh37 (hg19) VCF-style: chr10-100177428-C-A.
Other names: c.1024G>T, p.Glu342Ter (NM_001311345.2, NM_001322487.2, NM_001322489.2); c.1996G>T, p.Glu666Ter (NM_001322476.2, NM_001322477.2); c.1897G>T, p.Glu633Ter (NM_001322478.2, NM_001322479.2); c.1735G>T, p.Glu579Ter (NM_001322480.2, NM_001322481.2); c.1636G>T, p.Glu546Ter (NM_001322482.2); c.1627G>T, p.Glu543Ter (NM_001322483.2, NM_001322484.2); c.1528G>T, p.Glu510Ter (NM_001322485.2); short protein forms E666*, E342*, E543*, E546*, E633*, E510*, E579*.
Identifiers: ClinVar variation 5279 (VCV000005279.7), dbSNP rs121908385, ClinGen allele CA340385.